The following is an entry in ClinVar:

NM_003036.4(SKI):c.1630C>T (p.His544Tyr)

Gene: SKI (SKI proto-oncogene; plus strand). Cytogenetic location: 1p36.32.
Variant type: single nucleotide variant.
Coding change: c.1630C>T on transcript NM_003036.4 (MANE Select); coding-DNA position 1630, C replaced by T.
Protein change: p.His544Tyr; replaces histidine 544 with tyrosine.
Molecular consequence: missense variant.
Genome position (GRCh38, 1-based): chr1:2,304,448, C>T. VCF-style: chr1-2304448-C-T. GRCh37 (hg19) VCF-style: chr1-2235887-C-T.
Other names: short protein forms H544Y.
Identifiers: ClinVar variation 2586931 (VCV002586931.2), dbSNP rs868285274, ClinGen allele CA337957506.
Genomic context (GRCh38, chr1:2,304,448, plus strand): 5'-GCCGTCCCTGATGCTGCGGCCCCTGCCGACGCCCCCAGTGGGCTGGAGGCGGAGCTGGAG[C>T]ACCTGCGGCAGGCACTGGAGGGCGGCCTGGACACCAAGGAAGCCAAAGAGAAGTTCCTGC-3'
Protein context (NP_003027.1, residues 534-554): APSGLEAELE[His544Tyr]LRQALEGGLD

ClinVar aggregate classification (germline): Uncertain significance (1 of 4 stars; one submission).

Conditions:
Familial thoracic aortic aneurysm and aortic dissection (TAAD). Also called: Thoracic aortic aneurysms and dissections. Identifiers: Orphanet 91387, MedGen C4707243, MONDO:0019625.

gnomAD v4.1: 1 of 1,564,220 alleles (0.000064%); highest among the groups gnomAD compares: Non-Finnish European, 0.000087%; no homozygotes.

Submission:

Ambry Genetics
Classification: Uncertain significance for Familial thoracic aortic aneurysm and aortic dissection. Last evaluated: 2023-08-03. Review status: criteria provided, single submitter. Criteria: Ambry Variant Classification Scheme 2023. Collection method: clinical testing. Allele origin: germline.
Comment: The p.H544Y variant (also known as c.1630C>T), located in coding exon 5 of the SKI gene, results from a C to T substitution at nucleotide position 1630. The histidine at codon 544 is replaced by tyrosine, an amino acid with similar properties. This amino acid position is conserved. In addition, the in silico prediction for this alteration is inconclusive. Since supporting evidence is limited at this time, the clinical significance of this alteration remains unclear.